The following is an entry in ClinVar:

ClinVar aggregate classification (germline): Uncertain significance (1 of 4 stars; one submission).

Conditions:
Tuberous sclerosis 2 (TSC2). Identifiers: Orphanet 805, MedGen C1860707, MONDO:0013199, OMIM 613254.

Submission:

Labcorp Genetics (formerly Invitae), Labcorp
Classification: Uncertain significance for Tuberous sclerosis 2. Last evaluated: 2025-01-11. Review status: criteria provided, single submitter. Criteria: Invitae Variant Classification Sherloc (09022015). Collection method: clinical testing. Allele origin: germline.
Comment: This sequence change falls in intron 1 of the TSC2 gene. It does not directly change the encoded amino acid sequence of the TSC2 protein. It affects a nucleotide within the consensus splice site. This variant is not present in population databases (gnomAD no frequency). This variant has not been reported in the literature in individuals affected with TSC2-related conditions. ClinVar contains an entry for this variant (Variation ID: 2730611). Variants that disrupt the consensus splice site are a relatively common cause of aberrant splicing (PMID: 17576681, 9536098). In summary, the available evidence is currently insufficient to determine the role of this variant in disease. Therefore, it has been classified as a Variant of Uncertain Significance.

Literature cited by the submitters: PubMed 17576681; PubMed 9536098.

NM_000548.5(TSC2):c.-30+2_-30+22del

Genes: TSC2 (TSC complex subunit 2; plus strand), LOC130058210 (ATAC-STARR-seq lymphoblastoid silent region 7024; plus strand). Cytogenetic location: 16p13.3.
Variant type: Deletion.
Coding change: c.-30+2_-30+22del on transcript NM_000548.5 (MANE Select); the canonical splice donor site of the intron after 30 bases upstream of the start codon through 22 bases into the intron after 30 bases upstream of the start codon, 21 bases deleted (TAAGTGGCGGTCCCCACGGGG).
Molecular consequence: splice donor variant.
Genome position (GRCh38, 1-based): chr16:2,048,067-2,048,087, TAAGTGGCGGTCCCCACGGGG deleted; deleting any 21 consecutive bases within chr16:2,048,062-2,048,087 gives the same sequence; the c. name uses the placement nearest the transcript's 3' end. VCF-style (leftmost placement, unchanged base first): chr16-2048061-GCGGGGTAAGTGGCGGTCCCCA-G. GRCh37 (hg19) VCF-style: chr16-2098062-GCGGGGTAAGTGGCGGTCCCCA-G.
Other names: c.-1767+2_-1767+22del (NM_001406693.1); c.-30+2_-30+22del (NM_001406667.1, NM_001406668.1, NM_001114382.3 and 13 more transcripts); c.-846+2_-846+22del (NM_001406680.1, NM_001406683.1, NM_001406687.1); c.-1461+2_-1461+22del (NM_001406689.1, NM_001406690.1, NM_001406692.1 and 2 more transcripts); c.-1637+2_-1637+22del (NM_001406698.1); c.-1342+2_-1342+22del (NM_001406694.1, NM_001406695.1); c.-1449+2_-1449+22del (NM_001406696.1); c.-475+2_-475+22del (NM_001406681.1); and 3 more.
Identifiers: ClinVar variation 2730611 (VCV002730611.3), dbSNP rs2084563490, ClinGen allele CA2201990319.